The following is an entry in ClinVar:

NM_015178.3(RHOBTB2):c.103G>T (p.Ala35Ser)

Gene: RHOBTB2 (Rho related BTB domain containing 2; plus strand). Cytogenetic location: 8p21.3.
Variant type: single nucleotide variant.
Coding change: c.103G>T on transcript NM_015178.3 (MANE Select); coding-DNA position 103, G replaced by T.
Protein change: p.Ala35Ser; replaces alanine 35 with serine.
Molecular consequence: missense variant.
Genome position (GRCh38, 1-based): chr8:23,004,537, G>T. VCF-style: chr8-23004537-G-T. GRCh37 (hg19) VCF-style: chr8-22862050-G-T.
Other names: c.169G>T, p.Ala57Ser (NM_001160036.2); c.124G>T, p.Ala42Ser (NM_001160037.2); c.103G>T, p.Ala35Ser (NM_001374791.1); short protein forms A35S, A42S, A57S.
Identifiers: ClinVar variation 2584435 (VCV002584435.1), dbSNP rs1342073189, ClinGen allele CA370558338.

ClinVar aggregate classification (germline): Likely pathogenic (1 of 4 stars; one submission).

Conditions:
Developmental and epileptic encephalopathy, 64. Also called: EPILEPTIC ENCEPHALOPATHY, EARLY INFANTILE, 64. Identifiers: MedGen C4693899, MONDO:0033373, OMIM 618004.

gnomAD v4.1: 2 of 1,614,208 alleles (0.00012%); highest among the groups gnomAD compares: Non-Finnish European, 0.000085%; no homozygotes.

Submission:

Rady Children's Institute for Genomic Medicine, Rady Children's Hospital San Diego
Classification: Likely pathogenic for EPILEPTIC ENCEPHALOPATHY, EARLY INFANTILE, 64. Review status: criteria provided, single submitter. Criteria: ACMG Guidelines, 2015. Collection method: clinical testing. Allele origin: germline. Affected: yes.
Comment: This variant has not been previously reported or functionally characterized in the literature to our knowledge. It is absent from the gnomAD population database and thus is presumed to be rare. The c.169G>T (p.Ala57Ser) variant affects a highly conserved amino acid and is predicted by multiple in silico tools to have a deleterious effect on protein function. To date, reported variants in the literature are located in the BTB protein domain, while this variant overlaps multiple Small GTPase superfamily domains and Mitochondrial Rho-like domain (PMID: 29276004, Alamut Visual Plus version v1.2.1). Analysis of the parental samples was negative for the variant, indicating this variant likely occurred as a de novo event. Based on the available evidence, the c.169G>T (p.Ala57Ser) variant is classified as Likely Pathogenic.